The following is an entry in ClinVar:

NM_017635.5(KMT5B):c.95T>G (p.Leu32Ter)

Gene: KMT5B (lysine methyltransferase 5B; minus strand). Cytogenetic location: 11q13.2.
Variant type: single nucleotide variant.
Coding change: c.95T>G on transcript NM_017635.5 (MANE Select); coding-DNA position 95, T replaced by G.
Protein change: p.Leu32Ter; replaces leucine 32 with a stop codon.
Molecular consequence: nonsense. On other transcripts: 5 prime UTR variant (8), non-coding transcript variant (3), intron variant (2).
Genome position (GRCh38, 1-based): chr11:68,189,982, A>C on the plus strand (T>G on the coding strand, the complement: KMT5B is on the minus strand). VCF-style: chr11-68189982-A-C. GRCh37 (hg19) VCF-style: chr11-67957449-A-C.
Other names: c.-490T>G (NM_001300907.1); c.-573T>G (NM_001300908.2); c.95T>G, p.Leu32Ter (NM_001300909.2, NM_001363566.2, NM_001369426.1 and 2 more transcripts); c.-569T>G (NM_001369424.1, NM_001369431.1, NM_001369432.1); c.-783T>G (NM_001369428.1); c.-274T>G (NM_001369429.1); c.-1084T>G (NM_001369433.1); c.-434-4054T>G (NM_001369430.1); and 1 more; short protein forms L32*.
Identifiers: ClinVar variation 2633693 (VCV002633693.2), dbSNP rs2495592252, ClinGen allele CA381609829.

ClinVar aggregate classification (germline): Conflicting classifications of pathogenicity. Review status: criteria provided, conflicting classifications (1 of 4 stars). 2 submissions from 2 submitters: Likely pathogenic (1); Uncertain significance (1). Last evaluated 2024-03-26.

Conditions:
Intellectual developmental disorder, autosomal dominant 51. Also called: Intellectual disability, autosomal dominant 51; MENTAL RETARDATION, AUTOSOMAL DOMINANT 51. Identifiers: Orphanet 684226, MedGen C4540474, MONDO:0030917, OMIM 617788.
KMT5B-related disorder. Also called: KMT5B-related condition.

Submissions (2):

Genomic Medicine Center of Excellence, King Faisal Specialist Hospital and Research Centre
Classification: Uncertain significance for Intellectual developmental disorder, autosomal dominant 51. Last evaluated: 2024-03-26. Review status: criteria provided, single submitter. Criteria: ACMG Guidelines, 2015. Collection method: clinical testing. Allele origin: germline.

PreventionGenetics, part of Exact Sciences
Classification: Likely pathogenic for KMT5B-related condition. Last evaluated: 2023-04-04. Review status: criteria provided, single submitter. Criteria: ACMG Guidelines, 2015. Collection method: clinical testing. Allele origin: germline.
Comment: The KMT5B c.95T>G variant is predicted to result in premature protein termination (p.Leu32*). This variant has been reported de novo in an individual with motor and speech delays (Table S3, Pedigree Paed379, van der Ven et al. 2021. PubMed ID: 34490615). This variant has not been reported in a large population database, indicating this variant is rare. Nonsense variants in KMT5B are expected to be pathogenic. This variant is interpreted as likely pathogenic.